The following is an entry in ClinVar:

ClinVar aggregate classification (germline): Pathogenic (1 of 4 stars; one submission).

Submission:

GeneDx
Classification: Pathogenic. Last evaluated: 2018-02-02. Review status: criteria provided, single submitter. Criteria: GeneDx Variant Classification (06012015). Collection method: clinical testing. Allele origin: germline. Affected: yes.
Comment: The c.2154dupT variant in the CIC gene has not been reported previously as a pathogenic variant nor as a benign variant, to our knowledge. The c.2154dupT variant causes a frameshift starting with codon Glycine 719, changes this amino acid to a Tryptophan residue, and creates a premature Stop codon at position 44 of the new reading frame, denoted p.Gly719TrpfsX44. This variant is predicted to cause loss of normal protein function either through protein truncation or nonsense-mediated mRNA decay. The c.2154dupT variant is not observed in large population cohorts (Lek et al., 2016). We interpret c.2154dupT as a pathogenic variant.

NM_001386298.1(CIC):c.4881dup (p.Gly1628fs)

Gene: CIC (capicua transcriptional repressor; plus strand). Cytogenetic location: 19q13.2.
Variant type: Duplication.
Coding change: c.4881dup on transcript NM_001386298.1 (MANE Select); coding-DNA position 4881, one base duplicated (T; older notation c.4881dupT).
Protein change: p.Gly1628fs; shifts the reading frame from glycine 1628.
Molecular consequence: frameshift variant.
Genome position (GRCh38, 1-based): chr19:42,290,922, T duplicated. VCF-style (leftmost placement, unchanged base first): chr19-42290921-C-CT. GRCh37 (hg19) VCF-style: chr19-42795073-C-CT.
Other names: c.4881dup, p.Gly1628fs (NM_001304815.2, NM_001379480.1, NM_001379482.1); c.2154dup, p.Gly719fs (NM_001379484.1, NM_001379485.1, NM_015125.5); short protein forms G719fs, G1628fs.
Identifiers: ClinVar variation 504201 (VCV000504201.2), dbSNP rs1555769289, ClinGen allele CA658799247.
Genomic context (GRCh38, chr19:42,290,921, plus strand): 5'-AGGCGTCTCCAAATGACACAGCAGGTGCCAGGACTGAAATGGGCACTGGGTCTCGGGTGC[C>CT]TGGGGGCTCCCCGCTGGGTGTCAGCTTAGTGTATTCGGACAAGAAGTCGGCAGCAGCCAC-3'